The following is an entry in ClinVar:

ClinVar aggregate classification (germline): Uncertain significance (1 of 4 stars; one submission).

Submission:

Labcorp Genetics (formerly Invitae), Labcorp
Classification: Uncertain significance. Last evaluated: 2025-07-03. Review status: criteria provided, single submitter. Criteria: Invitae Variant Classification Sherloc (09022015). Collection method: clinical testing. Allele origin: germline.
Comment: This sequence change replaces leucine, which is neutral and non-polar, with phenylalanine, which is neutral and non-polar, at codon 767 of the RASA2 protein (p.Leu767Phe). This variant is not present in population databases (gnomAD no frequency). This variant has not been reported in the literature in individuals affected with RASA2-related conditions. Invitae Evidence Modeling of protein sequence and biophysical properties (such as structural, functional, and spatial information, amino acid conservation, physicochemical variation, residue mobility, and thermodynamic stability) indicates that this missense variant is not expected to disrupt RASA2 protein function with a negative predictive value of 80%. In summary, the available evidence is currently insufficient to determine the role of this variant in disease. Therefore, it has been classified as a Variant of Uncertain Significance.

NM_006506.5(RASA2):c.2299C>T (p.Leu767Phe)

Gene: RASA2 (RAS p21 protein activator 2; plus strand). Cytogenetic location: 3q23.
Variant type: single nucleotide variant.
Coding change: c.2299C>T on transcript NM_006506.5 (MANE Select); coding-DNA position 2299, C replaced by T.
Protein change: p.Leu767Phe; replaces leucine 767 with phenylalanine.
Molecular consequence: missense variant.
Genome position (GRCh38, 1-based): chr3:141,609,493, C>T. VCF-style: chr3-141609493-C-T. GRCh37 (hg19) VCF-style: chr3-141328335-C-T.
Other names: c.2302C>T, p.Leu768Phe (NM_001303245.3); c.2311C>T, p.Leu771Phe (NM_001303246.3); short protein forms L768F, L771F, L767F.
Identifiers: ClinVar variation 4782003 (VCV004782003.1).